The following is an entry in ClinVar:

ClinVar aggregate classification (germline): Uncertain significance (1 of 4 stars; one submission).

Allele frequency attached by ClinVar (database versions not stated): TOPMed 0.00002; gnomAD 0.00002.
gnomAD v4.1: 24 of 1,556,300 alleles (0.0015%); highest among the groups gnomAD compares: African/African-American, 0.0028%; no homozygotes.

Submission:

Labcorp Genetics (formerly Invitae), Labcorp
Classification: Uncertain significance. Last evaluated: 2014-12-17. Review status: criteria provided, single submitter. Criteria: Invitae Variant Classification Sherloc (09022015). Collection method: clinical testing. Allele origin: germline.
Comment: This sequence change replaces proline with serine at codon 3 of the EPCAM protein (p.Pro3Ser). The proline residue is weakly conserved and there is a moderate physicochemical difference between proline and serine. Algorithms developed to predict the effect of missense changes on protein structure and function (SIFT, PolyPhen-2, Align-GVGD) all suggest that this sequence change is likely to be tolerated, but these predictions have not been confirmed by published functional studies. This sequence change has not been published in the literature and is not present in population databases. In summary, this is a rare missense change that is not predicted to affect protein function or cause disease. However the evidence is insufficient at this time to prove that conclusively. Therefore, it has been classified as a Variant of Uncertain Significance.

NM_002354.3(EPCAM):c.7C>T (p.Pro3Ser)

Gene: EPCAM (epithelial cell adhesion molecule; plus strand). Cytogenetic location: 2p21.
Variant type: single nucleotide variant.
Coding change: c.7C>T on transcript NM_002354.3 (MANE Select); coding-DNA position 7, C replaced by T.
Protein change: p.Pro3Ser; replaces proline 3 with serine.
Molecular consequence: missense variant.
Genome position (GRCh38, 1-based): chr2:47,369,512, C>T. VCF-style: chr2-47369512-C-T. GRCh37 (hg19) VCF-style: chr2-47596651-C-T.
Other names: short protein forms P3S.
Identifiers: ClinVar variation 136030 (VCV000136030.9), dbSNP rs587780772, ClinGen allele CA332800.
Genomic context (GRCh38, chr2:47,369,512, plus strand): 5'-CCTCCCGCGAGTCCCGGGCCCCTCCCGCGCCCCTCTTCTCGGCGCGCGCGCAGCATGGCG[C>T]CCCCGCAGGTCCTCGCGTTCGGGCTTCTGCTTGCCGCGGCGACGGCGACTTTTGCCGCAG-3'
Protein context (NP_002345.2, residues 1-13): MA[Pro3Ser]PQVLAFGLLL